The following is an entry in ClinVar:

ClinVar aggregate classification (germline): Conflicting classifications of pathogenicity. Review status: criteria provided, conflicting classifications (1 of 4 stars). 4 submissions from 4 submitters: Uncertain significance (1); Benign (1); Likely benign (2). Last evaluated 2026-05-12.

Conditions:
Hyperparathyroidism 2 with jaw tumors. Also called: Hyperparathyroidism 2; HYPERPARATHYROIDISM, FAMILIAL PRIMARY, WITH MULTIPLE OSSIFYING JAW FIBROMAS; HYPERPARATHYROIDISM-JAW TUMOR SYNDROME, HEREDITARY; Hyperparathyroidism-Jaw Tumor Syndrome. Identifiers: Orphanet 99880, MedGen C1704981, MONDO:0007768, OMIM 145001.
Parathyroid carcinoma (PRTC). Also called: CDC73-Related Parathyroid Carcinoma; Parathyroid gland carcinoma. Identifiers: Orphanet 143, MedGen C0687150, MONDO:0012004, OMIM 608266, HP:0006780.
Hereditary cancer-predisposing syndrome. Also called: Tumor predisposition; Hereditary Cancer Syndrome; Neoplastic Syndromes, Hereditary; Hereditary neoplastic syndrome. Identifiers: Orphanet 140162, MedGen C0027672, MeSH D009386, MONDO:0015356.

Allele frequency attached by ClinVar (database versions not stated): gnomAD 0.00007 and 0.00008; gnomAD exomes 0.00001 and below 0.00001; TOPMed 0.00008.
gnomAD v4.1: 22 of 1,613,284 alleles (0.0014%); highest among the groups gnomAD compares: African/African-American, 0.017%; no homozygotes.

Submissions (4):

Women's Health and Genetics/Laboratory Corporation of America, LabCorp
Classification: Benign. Last evaluated: 2026-05-12. Review status: criteria provided, single submitter. Criteria: LabCorp Variant Classification Summary - May 2015. Collection method: clinical testing. Allele origin: germline.
Comment: Variant summary: CDC73 c.876A>G alters a conserved nucleotide resulting in a synonymous change. Several computational tools predict a significant impact on normal splicing: Four predict the variant creates a 5' donor site. However, these predictions have yet to be confirmed by functional studies. The variant allele was found at a frequency of 1.4e-05 in 1613284 control chromosomes, predominantly at a frequency of 0.00017 within the Latino subpopulation in the gnomAD database. The observed variant frequency within Latino control individuals in the gnomAD database exceeds the estimated maximal expected allele frequency for disease-causing variants in CDC73. To our knowledge, no occurrence of c.876A>G in individuals affected with CDC73-related conditions and no experimental evidence demonstrating its impact on protein function have been reported. ClinVar contains an entry for this variant (Variation ID: 581596). Based on the evidence outlined above, the variant was classified as benign.

Labcorp Genetics (formerly Invitae), Labcorp
Classification: Likely benign for Parathyroid carcinoma. Last evaluated: 2025-12-24. Review status: criteria provided, single submitter. Criteria: Invitae Variant Classification Sherloc (09022015). Collection method: clinical testing. Allele origin: germline.

St. Jude Molecular Pathology, St. Jude Children's Research Hospital
Classification: Uncertain significance for Hyperparathyroidism 2 with jaw tumors. Last evaluated: 2025-06-17. Review status: criteria provided, single submitter. Criteria: St. Jude Assertion Criteria 2020. Collection method: clinical testing. Allele origin: germline.
Comment: The CDC73 c.876A>G p.(Arg292=) synonymous change has a maximum subpopulation frequency of 0.004% in gnomAD v2.1.1. Algorithms that predict the impact of sequence changes on splicing indicate that this change may impact splicing, but to our knowledge these predictions have not been confirmed by RNA studies. To our knowledge, this variant has not been reported in individuals with hyperparathyroidism-jaw tumor syndrome. In summary, the evidence currently available is insufficient to determine the clinical significance of this variant. It has therefore been classified as of uncertain significance.

Ambry Genetics
Classification: Likely benign for Hereditary cancer-predisposing syndrome. Last evaluated: 2020-12-04. Review status: criteria provided, single submitter. Criteria: Ambry Variant Classification Scheme 2023. Collection method: clinical testing. Allele origin: germline.

NM_024529.5(CDC73):c.876A>G (p.Arg292=)

Gene: CDC73 (cell division cycle 73; plus strand). Cytogenetic location: 1q31.2.
Variant type: single nucleotide variant.
Coding change: c.876A>G on transcript NM_024529.5 (MANE Select); coding-DNA position 876, A replaced by G.
Protein change: p.Arg292=; no amino-acid change (arginine 292 retained).
Molecular consequence: synonymous variant.
Genome position (GRCh38, 1-based): chr1:193,150,351, A>G. VCF-style: chr1-193150351-A-G. GRCh37 (hg19) VCF-style: chr1-193119481-A-G.
Identifiers: ClinVar variation 581596 (VCV000581596.18), dbSNP rs909578765, ClinGen allele CA34379488.
Genomic context (GRCh38, chr1:193,150,351, plus strand): 5'-AATTTTTTTACAGGATCCCACTTTGCGCACCAAACAGCCTATCCCAGCTGCCTATAACAG[A>G]TACGATCAGGAAAGATTCAAAGGAAAAGAAGGCAAGTTGCTTAATTCTTATCTTCCCCTT-3'
Protein context (NP_078805.3, residues 282-302): TKQPIPAAYN[Arg292=]YDQERFKGKE